The following is an entry in ClinVar:

NM_000246.4(CIITA):c.2458G>A (p.Gly820Arg)

Gene: CIITA (class II major histocompatibility complex transactivator; plus strand). Cytogenetic location: 16p13.13.
Variant type: single nucleotide variant.
Coding change: c.2458G>A on transcript NM_000246.4 (MANE Select); coding-DNA position 2458, G replaced by A.
Protein change: p.Gly820Arg; replaces glycine 820 with arginine.
Molecular consequence: missense variant. On other transcripts: intron variant (1).
Genome position (GRCh38, 1-based): chr16:10,907,950, G>A. VCF-style: chr16-10907950-G-A. GRCh37 (hg19) VCF-style: chr16-11001807-G-A.
Other names: c.2461G>A, p.Gly821Arg (NM_001286402.1, NM_001379332.1); c.2314G>A, p.Gly772Arg (NM_001379330.1); c.2311G>A, p.Gly771Arg (NM_001379331.1); c.2458G>A, p.Gly820Arg (NM_001379333.1); c.2389G>A, p.Gly797Arg (NM_001379334.1); c.860-1033G>A (NM_001286403.2); short protein forms G820R, G821R, G771R, G772R, G797R.
Identifiers: ClinVar variation 886467 (VCV000886467.6), dbSNP rs2039291800, ClinGen allele CA394733662.

ClinVar aggregate classification (germline): Uncertain significance. Review status: criteria provided, multiple submitters, no conflicts (2 of 4 stars). 2 submissions from 2 submitters: Uncertain significance (2). Last evaluated 2024-03-19.

Conditions:
MHC class II deficiency. Also called: Bare lymphocyte syndrome 2; BLS, TYPE II. Identifiers: Orphanet 572, MedGen C5447452, MONDO:0008855.

Allele frequency attached by ClinVar (database versions not stated): gnomAD exomes below 0.00001; gnomAD 0.00001; TOPMed 0.00001.

Submissions (2):

Labcorp Genetics (formerly Invitae), Labcorp
Classification: Uncertain significance for MHC class II deficiency. Last evaluated: 2024-03-19. Review status: criteria provided, single submitter. Criteria: Invitae Variant Classification Sherloc (09022015). Collection method: clinical testing. Allele origin: germline.
Comment: This sequence change replaces glycine, which is neutral and non-polar, with arginine, which is basic and polar, at codon 820 of the CIITA protein (p.Gly820Arg). This variant is not present in population databases (gnomAD no frequency). This variant has not been reported in the literature in individuals affected with CIITA-related conditions. ClinVar contains an entry for this variant (Variation ID: 886467). An algorithm developed to predict the effect of missense changes on protein structure and function (PolyPhen-2) suggests that this variant is likely to be tolerated. In summary, the available evidence is currently insufficient to determine the role of this variant in disease. Therefore, it has been classified as a Variant of Uncertain Significance.

Illumina Laboratory Services, Illumina
Classification: Uncertain significance for MHC class II deficiency 1. Last evaluated: 2018-03-30. Review status: criteria provided, single submitter. Criteria: ICSL Variant Classification Criteria 13 December 2019. Collection method: clinical testing. Allele origin: germline.